The following is an entry in ClinVar:

NM_006269.2(RP1):c.452G>A (p.Arg151His)

Gene: RP1 (RP1 axonemal microtubule associated; plus strand). Cytogenetic location: 8q12.1.
Variant type: single nucleotide variant.
Coding change: c.452G>A on transcript NM_006269.2 (MANE Select); coding-DNA position 452, G replaced by A.
Protein change: p.Arg151His; replaces arginine 151 with histidine.
Molecular consequence: missense variant.
Genome position (GRCh38, 1-based): chr8:54,621,418, G>A. VCF-style: chr8-54621418-G-A. GRCh37 (hg19) VCF-style: chr8-55533978-G-A.
Other names: c.452G>A, p.Arg151His (NM_001375654.1); short protein forms R151H.
Identifiers: ClinVar variation 4799135 (VCV004799135.1).

ClinVar aggregate classification (germline): Uncertain significance (1 of 4 stars; one submission).

gnomAD v4.1: 14 of 1,613,090 alleles (0.00087%); highest among the groups gnomAD compares: Non-Finnish European, 0.0012%; no homozygotes.

Submission:

Labcorp Genetics (formerly Invitae), Labcorp
Classification: Uncertain significance. Last evaluated: 2025-06-27. Review status: criteria provided, single submitter. Criteria: Invitae Variant Classification Sherloc (09022015). Collection method: clinical testing. Allele origin: germline.
Comment: This sequence change replaces arginine, which is basic and polar, with histidine, which is basic and polar, at codon 151 of the RP1 protein (p.Arg151His). This variant is not present in population databases (gnomAD no frequency). This variant has not been reported in the literature in individuals affected with RP1-related conditions. An algorithm developed to predict the effect of missense changes on protein structure and function (PolyPhen-2) suggests that this variant is likely to be disruptive. In summary, the available evidence is currently insufficient to determine the role of this variant in disease. Therefore, it has been classified as a Variant of Uncertain Significance.